The following is an entry in ClinVar:

ClinVar aggregate classification (germline): Likely benign. Review status: criteria provided, multiple submitters, no conflicts (2 of 4 stars). 2 submissions from 2 submitters: Likely benign (2). Last evaluated 2024-12-22.

Conditions:
Severe early-onset pulmonary alveolar proteinosis due to MARS deficiency. Also called: PULMONARY ALVEOLAR PROTEINOSIS, REUNION ISLAND; Interstitial lung and liver disease. Identifiers: Orphanet 440427, MedGen C4225400, MONDO:0014206, OMIM 615486.
Charcot-Marie-Tooth disease axonal type 2U. Also called: CHARCOT-MARIE-TOOTH NEUROPATHY, TYPE 2U; CHARCOT-MARIE-TOOTH DISEASE, AXONAL, AUTOSOMAL DOMINANT, TYPE 2U. Identifiers: Orphanet 397735, MedGen C4084821, MONDO:0014566, OMIM 616280.

Allele frequency attached by ClinVar (database versions not stated): gnomAD exomes below 0.00001.

Submissions (2):

Labcorp Genetics (formerly Invitae), Labcorp
Classification: Likely benign for Charcot-Marie-Tooth disease axonal type 2U; Severe early-onset pulmonary alveolar proteinosis due to MARS deficiency. Last evaluated: 2024-12-22. Review status: criteria provided, single submitter. Criteria: Invitae Variant Classification Sherloc (09022015). Collection method: clinical testing. Allele origin: germline.

GeneDx
Classification: Likely benign. Last evaluated: 2018-06-18. Review status: criteria provided, single submitter. Criteria: GeneDx Variant Classification (06012015). Collection method: clinical testing. Allele origin: germline. Affected: yes.
Comment: This variant is considered likely benign or benign based on one or more of the following criteria: it is a conservative change, it occurs at a poorly conserved position in the protein, it is predicted to be benign by multiple in silico algorithms, and/or has population frequency not consistent with disease.

NM_004990.4(MARS1):c.201-10C>T

Gene: MARS1 (methionyl-tRNA synthetase 1; plus strand). Cytogenetic location: 12q13.3.
Variant type: single nucleotide variant.
Coding change: c.201-10C>T on transcript NM_004990.4 (MANE Select); 10 bases into the intron before coding-DNA position 201, C replaced by T.
Molecular consequence: intron variant.
Genome position (GRCh38, 1-based): chr12:57,489,257, C>T. VCF-style: chr12-57489257-C-T. GRCh37 (hg19) VCF-style: chr12-57883040-C-T.
Identifiers: ClinVar variation 669157 (VCV000669157.3), dbSNP rs1594805977, ClinGen allele CA915948431.